The following is an entry in ClinVar:

ClinVar aggregate classification (germline): Uncertain significance (1 of 4 stars; one submission).

Conditions:
Inborn genetic diseases. Identifiers: MedGen C0950123, MeSH D030342.

Submission:

Ambry Genetics
Classification: Uncertain significance for Inborn genetic diseases. Last evaluated: 2025-12-11. Review status: criteria provided, single submitter. Criteria: Ambry Variant Classification Scheme 2023. Collection method: clinical testing. Allele origin: germline.
Comment: The p.P887A variant (also known as c.2659C>G), located in coding exon 28 of the RTEL1 gene, results from a C to G substitution at nucleotide position 2659. The proline at codon 887 is replaced by alanine, an amino acid with highly similar properties. This amino acid position is conserved. In addition, this alteration is predicted to be tolerated by in silico analysis. Based on the available evidence, the clinical significance of this variant remains unclear.

NM_001283009.2(RTEL1):c.2659C>G (p.Pro887Ala)

Genes: RTEL1 (regulator of telomere elongation helicase 1; plus strand), RTEL1-TNFRSF6B (RTEL1-TNFRSF6B readthrough (NMD candidate); plus strand). Cytogenetic location: 20q13.33.
Variant type: single nucleotide variant.
Coding change: c.2659C>G on transcript NM_001283009.2 (MANE Select); coding-DNA position 2659, C replaced by G.
Protein change: p.Pro887Ala; replaces proline 887 with alanine.
Molecular consequence: missense variant. On other transcripts: non-coding transcript variant (1).
Genome position (GRCh38, 1-based): chr20:63,692,811, C>G. VCF-style: chr20-63692811-C-G. GRCh37 (hg19) VCF-style: chr20-62324164-C-G.
Other names: c.1990C>G, p.Pro664Ala (NM_001283010.1); c.2659C>G, p.Pro887Ala (NM_016434.4); c.2731C>G, p.Pro911Ala (NM_032957.5); short protein forms P887A, P664A, P911A.
Identifiers: ClinVar variation 4629654 (VCV004629654.1).
Genomic context (GRCh38, chr20:63,692,811, plus strand): 5'-AGGGACCAGATGATGAGGCTGGCCCTGATGGAGCCTCGGGCCTGTGTCCTGCAGGAGGAG[C>G]CCGTGGCTGGTGCACAGACGGACAGGGCCAAGCTCTTCATGGTGGCCGTGAAGCAGGAGT-3'
Protein context (NP_001269938.1, residues 877-897): KIRLVSHPEE[Pro887Ala]VAGAQTDRAK